The following is an entry in ClinVar:

ClinVar aggregate classification (germline): Pathogenic (1 of 4 stars; one submission).

Submission:

ISCA site 4
Classification: Pathogenic. Last evaluated: 2011-08-12. Review status: criteria provided, single submitter. Criteria: Kaminsky et al. (Genet Med. 2011). Collection method: clinical testing. Allele origin: unknown. Affected: yes. Observed: 1 variant allele.
Comment: Copy number variation identified through the course of routine clinical cytogenomic testing in postnatal populations. Clinical assertions have been curated as described in Kaminsky et al. 2011.

GRCh38/hg38 15q13.2-13.3(chr15:30361674-32607357)x1

Genes: ARHGAP11B-DT (ARHGAP11B divergent transcript), ARHGAP11A-DT (ARHGAP11A divergent transcript; minus strand), ARHGAP11B (Rho GTPase activating protein 11B), CHRFAM7A (CHRNA7 (exons 5-10) and FAM7A (exons A-E) fusion; minus strand), CHRNA7 (cholinergic receptor nicotinic alpha 7 subunit) and 39 more. Cytogenetic location: 15q13.2-13.3.
Variant type: copy number loss.
Change: copy number 1 (one copy instead of two) of chr15:30,361,674-32,607,357 (2.25 Mb, GRCh38 coordinates, 1-based), cytogenetic band 15q13.2-13.3.
Identifiers: ClinVar variation 160801 (VCV000160801.1).